The following is an entry in ClinVar:

ClinVar aggregate classification (germline): Uncertain significance (1 of 4 stars; one submission).

Submission:

Labcorp Genetics (formerly Invitae), Labcorp
Classification: Uncertain significance. Last evaluated: 2022-06-03. Review status: criteria provided, single submitter. Criteria: Invitae Variant Classification Sherloc (09022015). Collection method: clinical testing. Allele origin: germline.
Comment: This variant is present in population databases (no rsID available, gnomAD 0.01%). This variant has not been reported in the literature in individuals affected with EYS-related conditions. Algorithms developed to predict the effect of missense changes on protein structure and function are either unavailable or do not agree on the potential impact of this missense change (SIFT: "Deleterious"; PolyPhen-2: "Probably Damaging"; Align-GVGD: "Class C15"). In summary, the available evidence is currently insufficient to determine the role of this variant in disease. Therefore, it has been classified as a Variant of Uncertain Significance. This variant, c.9260_9262delinsAAA, is a complex sequence change that results in the deletion of 2 amino acids and insertion of 2 amino acid(s) in the EYS protein (p.Leu3087_Gly3088delinsGlnArg).

NM_001142800.2(EYS):c.9260_9262delinsAAA (p.Leu3087_Gly3088delinsGlnArg)

Genes: EYS (EGF-like photoreceptor maintenance factor; minus strand), PHF3 (PHD finger protein 3; plus strand). Cytogenetic location: 6q12.
Variant type: Indel.
Coding change: c.9260_9262delinsAAA on transcript NM_001142800.2 (MANE Select); coding-DNA positions 9260 to 9262, TAG replaced by AAA.
Protein change: p.Leu3087_Gly3088delinsGlnArg.
Molecular consequence: missense variant. On other transcripts: 3 prime UTR variant (5).
Genome position (GRCh38, 1-based): chr6:63,720,769-63,720,771, CTA replaced by TTT on the plus strand (TAG replaced by AAA on the coding strand, the reverse complement: EYS is on the minus strand). VCF-style: chr6-63720769-CTA-TTT. GRCh37 (hg19) VCF-style: chr6-64430665-CTA-TTT.
Other names: c.*7061_*7063delinsTTT (NM_001290259.2, NM_001370348.2, NM_001370349.2 and 2 more transcripts); c.9323_9325delinsAAA, p.Leu3108_Gly3109delinsGlnArg (NM_001292009.2).
Identifiers: ClinVar variation 966942 (VCV000966942.6), dbSNP rs1768346768, ClinGen allele CA1139659647.